The following is an entry in ClinVar:

ClinVar aggregate classification (germline): Uncertain significance (1 of 4 stars; one submission).

Conditions:
Dilated cardiomyopathy 1G (CMD1G). Identifiers: Orphanet 154, MedGen C1858763, MONDO:0011400, OMIM 604145.
Autosomal recessive limb-girdle muscular dystrophy type 2J (LGMDR10). Also called: Limb-girdle muscular dystrophy, type 2J; MUSCULAR DYSTROPHY, LIMB-GIRDLE, AUTOSOMAL RECESSIVE 10. Identifiers: Orphanet 140922, MedGen C1837342, MONDO:0012127, OMIM 608807.

Submission:

Labcorp Genetics (formerly Invitae), Labcorp
Classification: Uncertain significance for Dilated cardiomyopathy 1G; Autosomal recessive limb-girdle muscular dystrophy type 2J. Last evaluated: 2023-07-25. Review status: criteria provided, single submitter. Criteria: Invitae Variant Classification Sherloc (09022015). Collection method: clinical testing. Allele origin: germline.
Comment: This variant is located in the M band of TTN (PMID: 25589632). Variants in this region may be relevant for neuromuscular disorders, but have not been definitively shown to cause cardiomyopathy (PMID: 23975875). In summary, the available evidence is currently insufficient to determine the role of this variant in disease. Therefore, it has been classified as a Variant of Uncertain Significance. Experimental studies and prediction algorithms are not available or were not evaluated, and the functional significance of this variant is currently unknown. This variant has not been reported in the literature in individuals affected with TTN-related conditions. This variant is not present in population databases (gnomAD no frequency). This sequence change replaces lysine, which is basic and polar, with asparagine, which is neutral and polar, at codon 34197 of the TTN protein (p.Lys34197Asn).

Literature cited by the submitters: PubMed 25589632; PubMed 23975875.

NM_001267550.2(TTN):c.102591A>C (p.Lys34197Asn)

Genes: TTN-AS1 (TTN antisense RNA 1; plus strand), TTN (titin; minus strand). Cytogenetic location: 2q31.2.
Variant type: single nucleotide variant.
Coding change: c.102591A>C on transcript NM_001267550.2 (MANE Select); coding-DNA position 102591, A replaced by C.
Protein change: p.Lys34197Asn; replaces lysine 34197 with asparagine.
Molecular consequence: missense variant.
Genome position (GRCh38, 1-based): chr2:178,534,024, T>G on the plus strand (A>C on the coding strand, the complement: TTN is on the minus strand). VCF-style: chr2-178534024-T-G. GRCh37 (hg19) VCF-style: chr2-179398751-T-G.
Other names: c.97668A>C, p.Lys32556Asn (NM_001256850.1); c.75396A>C, p.Lys25132Asn (NM_003319.4); c.94887A>C, p.Lys31629Asn (NM_133378.4); c.75771A>C, p.Lys25257Asn (NM_133432.3); c.75972A>C, p.Lys25324Asn (NM_133437.4); short protein forms K25132N, K25257N, K32556N, K25324N, K31629N, K34197N.
Identifiers: ClinVar variation 2927255 (VCV002927255.1), dbSNP rs2468517319, ClinGen allele CA349417196.